The following is an entry in ClinVar:

NM_004171.4(SLC1A2):c.580A>G (p.Lys194Glu)

Gene: SLC1A2 (solute carrier family 1 member 2; minus strand). Cytogenetic location: 11p13.
Variant type: single nucleotide variant.
Coding change: c.580A>G on transcript NM_004171.4 (MANE Select); coding-DNA position 580, A replaced by G.
Protein change: p.Lys194Glu; replaces lysine 194 with glutamic acid.
Molecular consequence: missense variant.
Genome position (GRCh38, 1-based): chr11:35,306,224, T>C on the plus strand (A>G on the coding strand, the complement: SLC1A2 is on the minus strand). VCF-style: chr11-35306224-T-C. GRCh37 (hg19) VCF-style: chr11-35327771-T-C.
Other names: c.553A>G, p.Lys185Glu (NM_001195728.3, NM_001252652.2); short protein forms K185E, K194E.
Identifiers: ClinVar variation 772499 (VCV000772499.31), dbSNP rs150854080, ClinGen allele CA5947277.
Genomic context (GRCh38, chr11:35,306,224, plus strand): 5'-GAGAGACAACAGCGCTGGTTGCGTTGGCCTCCTCGTCCGGCGGTGGTGCAACCAGGACTT[T>C]CTTCGTCACTGTTTGAATCTAACAGAGTGAGGGAAAAAAGGCATAGAGCTGAGATTTGGC-3'
Protein context (NP_004162.2, residues 184-204): CFQQIQTVTK[Lys194Glu]VLVAPPPDEE

ClinVar aggregate classification (germline): Benign/Likely benign. Review status: criteria provided, multiple submitters, no conflicts (2 of 4 stars). 2 submissions from 2 submitters: Benign (1); Likely benign (1). Last evaluated 2026-01-12.

Allele frequency attached by ClinVar (database versions not stated): gnomAD 0.00004 and 0.00015; ESP Exome Variant Server 0.00008; TOPMed 0.00009; gnomAD exomes 0.00036 and 0.00061; 1000 Genomes Project 0.00060; 1000 Genomes Project 30x 0.00062; ExAC 0.00069.
gnomAD v4.1: 552 of 1,613,816 alleles (0.034%); highest among the groups gnomAD compares: South Asian, 0.54%; 4 homozygotes.

Submissions (2):

Labcorp Genetics (formerly Invitae), Labcorp
Classification: Benign. Last evaluated: 2026-01-12. Review status: criteria provided, single submitter. Criteria: Invitae Variant Classification Sherloc (09022015). Collection method: clinical testing. Allele origin: germline.

CeGaT Center for Human Genetics Tuebingen
Classification: Likely benign. Last evaluated: 2023-11-01. Review status: criteria provided, single submitter. Criteria: CeGaT Center For Human Genetics Tuebingen Variant Classification Criteria Version 2. Collection method: clinical testing. Allele origin: germline. Affected: yes. Observed: 1 variant allele.
Comment: SLC1A2: BS2